The following is an entry in ClinVar:

NM_003664.5(AP3B1):c.2695_2696insATC (p.Met899delinsAsnLeu)

Gene: AP3B1 (adaptor related protein complex 3 subunit beta 1; minus strand). Cytogenetic location: 5q14.1.
Variant type: Insertion.
Coding change: c.2695_2696insATC on transcript NM_003664.5 (MANE Select); coding-DNA positions 2695 to 2696, ATC inserted.
Protein change: p.Met899delinsAsnLeu.
Molecular consequence: inframe indel.
Genome position: GRCh38 VCF-style: chr5-78039156-A-AGAT. GRCh37 (hg19) VCF-style: chr5-77334980-A-AGAT.
Other names: c.2548_2549insATC, p.Met850delinsAsnLeu (NM_001271769.2).
Identifiers: ClinVar variation 2417314 (VCV002417314.3), dbSNP rs750433644, ClinGen allele CA3316699.

ClinVar aggregate classification (germline): Uncertain significance (1 of 4 stars; one submission).

Conditions:
Hermansky-Pudlak syndrome 2 (HPS2). Also called: Platelet defects and oculocutaneous albinism. Identifiers: Orphanet 183678, Orphanet 79430, MedGen C1842362, MONDO:0011997, OMIM 608233.

Allele frequency attached by ClinVar (database versions not stated): gnomAD exomes below 0.00001; ExAC 0.00002; TOPMed 0.00002; gnomAD 0.00003; ESP Exome Variant Server 0.00008.

Submission:

Labcorp Genetics (formerly Invitae), Labcorp
Classification: Uncertain significance for Hermansky-Pudlak syndrome 2. Last evaluated: 2022-03-20. Review status: criteria provided, single submitter. Criteria: Invitae Variant Classification Sherloc (09022015). Collection method: clinical testing. Allele origin: germline.
Comment: This variant, c.2695_2696insATC, is a complex sequence change that results in the deletion of 1 and insertion of 2 amino acid(s) in the AP3B1 protein (p.Met899delinsAsnLeu). This variant is present in population databases (rs750433644, gnomAD 0.01%). This variant has not been reported in the literature in individuals affected with AP3B1-related conditions. Experimental studies and prediction algorithms are not available or were not evaluated, and the functional significance of this variant is currently unknown. In summary, the available evidence is currently insufficient to determine the role of this variant in disease. Therefore, it has been classified as a Variant of Uncertain Significance.